The following is an entry in ClinVar:

NM_001267550.2(TTN):c.97435C>A (p.Arg32479Ser)

Genes: TTN (titin; minus strand), TTN-AS1 (TTN antisense RNA 1; plus strand). Cytogenetic location: 2q31.2.
Variant type: single nucleotide variant.
Coding change: c.97435C>A on transcript NM_001267550.2 (MANE Select); coding-DNA position 97435, C replaced by A.
Protein change: p.Arg32479Ser; replaces arginine 32479 with serine.
Molecular consequence: missense variant. On other transcripts: non-coding transcript variant (1).
Genome position (GRCh38, 1-based): chr2:178,542,321, G>T on the plus strand (C>A on the coding strand, the complement: TTN is on the minus strand). VCF-style: chr2-178542321-G-T. GRCh37 (hg19) VCF-style: chr2-179407048-G-T.
Other names: p.R30838S:CGC>AGC; c.92512C>A, p.Arg30838Ser (NM_001256850.1); c.70240C>A, p.Arg23414Ser (NM_003319.4); c.89731C>A, p.Arg29911Ser (NM_133378.4); c.70615C>A, p.Arg23539Ser (NM_133432.3); c.70816C>A, p.Arg23606Ser (NM_133437.4); short protein forms R30838S, R32479S, R29911S, R23414S, R23539S, R23606S.
Identifiers: ClinVar variation 203027 (VCV000203027.21), dbSNP rs200148139, ClinGen allele CA311019.
Genomic context (GRCh38, chr2:178,542,321, plus strand): 5'-TACGGATGCTGCTGCGACACTCTATGACCTCAGACTGCAAGTAAGAGCCAATCCCGAAGC[G>T]GTTTGTTGCAGCCACACGGAACACATACTCATTTCCTTCGGTGAGTCTGGTAAACTTAAA-3'
Protein context (NP_001254479.2, residues 32469-32489): EYVFRVAATN[Arg32479Ser]FGIGSYLQSE

ClinVar aggregate classification (germline): Conflicting classifications of pathogenicity. Review status: criteria provided, conflicting classifications (1 of 4 stars). 9 submissions from 5 submitters: Uncertain significance (3); Benign (2); Likely benign (4). Last evaluated 2026-07-25.

Conditions:
TTN-related disorder. Also called: TTN-related condition; TTN-related disease; TTN-related disorders.
Dilated cardiomyopathy 1G (CMD1G). Identifiers: Orphanet 154, MedGen C1858763, MONDO:0011400, OMIM 604145.
Autosomal recessive limb-girdle muscular dystrophy type 2J (LGMDR10). Also called: Limb-girdle muscular dystrophy, type 2J; MUSCULAR DYSTROPHY, LIMB-GIRDLE, AUTOSOMAL RECESSIVE 10. Identifiers: Orphanet 140922, MedGen C1837342, MONDO:0012127, OMIM 608807.
Myopathy, myofibrillar, 9, with early respiratory failure (MFM9). Also called: Myopathy, distal, with early respiratory failure, autosomal dominant; MYOPATHY, PROXIMAL, WITH EARLY RESPIRATORY MUSCLE INVOLVEMENT; Hereditary myopathy with early respiratory failure; EDSTROM MYOPATHY. Identifiers: Orphanet 178464, Orphanet 34521, MedGen C1863599, MONDO:0011362, OMIM 603689.
Tibial muscular dystrophy (TMD). Also called: Tibial muscular dystrophy, tardive; Udd Distal Myopathy – Tibial Muscular Dystrophy; UDD MYOPATHY. Identifiers: Orphanet 609, MedGen C1838244, MONDO:0010870, OMIM 600334.
Early-onset myopathy with fatal cardiomyopathy (CMYO5). Also called: Salih Myopathy; CONGENITAL MYOPATHY 5 WITH CARDIOMYOPATHY. Identifiers: Orphanet 289377, MedGen C2673677, MONDO:0012714, OMIM 611705. Disease mechanism: loss of function.

Allele frequency attached by ClinVar (database versions not stated): TOPMed 0.00005; gnomAD 0.00009; ExAC 0.00012.
gnomAD v4.1: 154 of 1,612,872 alleles (0.0095%); highest among the groups gnomAD compares: Non-Finnish European, 0.002%; no homozygotes.

Submissions (9):

PreventionGenetics, part of Exact Sciences
Classification: Likely benign for TTN-related condition. Last evaluated: 2026-07-25. Review status: criteria provided, single submitter. Criteria: ACMG Guidelines, 2015. Collection method: clinical testing. Allele origin: germline.
Comment: This variant is classified as likely benign based on ACMG/AMP sequence variant interpretation guidelines (Richards et al. 2015 PMID: 25741868, with internal and published modifications).

Labcorp Genetics (formerly Invitae), Labcorp
Classification: Likely benign for Dilated cardiomyopathy 1G; Autosomal recessive limb-girdle muscular dystrophy type 2J. Last evaluated: 2026-01-26. Review status: criteria provided, single submitter. Criteria: Invitae Variant Classification Sherloc (09022015). Collection method: clinical testing. Allele origin: germline.

GeneDx
Classification: Likely benign. Last evaluated: 2020-01-03. Review status: criteria provided, single submitter. Criteria: GeneDx Variant Classification Process June 2021. Collection method: clinical testing. Allele origin: germline. Affected: yes.

Illumina Laboratory Services, Illumina
Classification: Benign for Tibial muscular dystrophy. Last evaluated: 2018-01-13. Review status: criteria provided, single submitter. Criteria: ICSL Variant Classification Criteria 13 December 2019. Collection method: clinical testing. Allele origin: germline.
Comment: This variant was observed in the ICSL laboratory as part of a predisposition screen in an ostensibly healthy population. It had not been previously curated by ICSL or reported in the Human Gene Mutation Database (HGMD: prior to June 1st, 2018), and was therefore a candidate for classification through an automated scoring system. Utilizing variant allele frequency, disease prevalence and penetrance estimates, and inheritance mode, an automated score was calculated to assess if this variant is too frequent to cause the disease. Based on the score and internal cut-off values, a variant classified as benign is not then subjected to further curation. The score for this variant resulted in a classification of benign for this disease.

Illumina Laboratory Services, Illumina
Classification: Uncertain significance for Autosomal recessive limb-girdle muscular dystrophy type 2J. Last evaluated: 2018-01-13. Review status: criteria provided, single submitter. Criteria: ICSL Variant Classification Criteria 13 December 2019. Collection method: clinical testing. Allele origin: germline.

Illumina Laboratory Services, Illumina
Classification: Uncertain significance for Dilated cardiomyopathy 1G. Last evaluated: 2018-01-13. Review status: criteria provided, single submitter. Criteria: ICSL Variant Classification Criteria 13 December 2019. Collection method: clinical testing. Allele origin: germline.

Illumina Laboratory Services, Illumina
Classification: Benign for Myopathy, myofibrillar, 9, with early respiratory failure. Last evaluated: 2018-01-13. Review status: criteria provided, single submitter. Criteria: ICSL Variant Classification Criteria 13 December 2019. Collection method: clinical testing. Allele origin: germline.
Comment: the same text as in the submission from Illumina Laboratory Services, Illumina above.

Illumina Laboratory Services, Illumina
Classification: Uncertain significance for Early-onset myopathy with fatal cardiomyopathy. Last evaluated: 2018-01-13. Review status: criteria provided, single submitter. Criteria: ICSL Variant Classification Criteria 13 December 2019. Collection method: clinical testing. Allele origin: germline.

Eurofins Ntd Llc (ga)
Classification: Likely benign. Last evaluated: 2017-05-04. Review status: criteria provided, single submitter. Criteria: EGL Classification Definitions 2015. Collection method: clinical testing. Allele origin: germline. Observed: 3 variant alleles, 3 heterozygotes.